The following is an entry in ClinVar:

NM_152594.3(SPRED1):c.77A>T (p.Asp26Val)

Gene: SPRED1 (sprouty related EVH1 domain containing 1; plus strand). Cytogenetic location: 15q14.
Variant type: single nucleotide variant.
Coding change: c.77A>T on transcript NM_152594.3 (MANE Select); coding-DNA position 77, A replaced by T.
Protein change: p.Asp26Val; replaces aspartic acid 26 with valine.
Molecular consequence: missense variant.
Genome position (GRCh38, 1-based): chr15:38,299,417, A>T. VCF-style: chr15-38299417-A-T. GRCh37 (hg19) VCF-style: chr15-38591618-A-T.
Other names: short protein forms D26V.
Identifiers: ClinVar variation 5030134 (VCV005030134.1).

ClinVar aggregate classification (germline): Uncertain significance (1 of 4 stars; one submission).

Conditions:
Cardiovascular phenotype. Identifiers: MedGen CN230736.

Submission:

Ambry Genetics
Classification: Uncertain significance for Cardiovascular phenotype. Last evaluated: 2026-09-01. Review status: criteria provided, single submitter. Criteria: Ambry Variant Classification Scheme 2023. Collection method: clinical testing. Allele origin: germline.
Comment: The p.D26V variant (also known as c.77A>T), located in coding exon 2 of the SPRED1 gene, results from an A to T substitution at nucleotide position 77. The aspartic acid at codon 26 is replaced by valine, an amino acid with highly dissimilar properties. This amino acid position is conserved. In addition, this alteration is predicted to be deleterious by in silico analysis. Based on the available evidence, the clinical significance of this variant remains unclear.